The following is an entry in ClinVar:

NM_003873.7(NRP1):c.1658C>T (p.Thr553Ile)

Gene: NRP1 (neuropilin 1; minus strand). Cytogenetic location: 10p11.22.
Variant type: single nucleotide variant.
Coding change: c.1658C>T on transcript NM_003873.7 (MANE Select); coding-DNA position 1658, C replaced by T.
Protein change: p.Thr553Ile; replaces threonine 553 with isoleucine.
Molecular consequence: missense variant. On other transcripts: non-coding transcript variant (1).
Genome position (GRCh38, 1-based): chr10:33,207,673, G>A on the plus strand (C>T on the coding strand, the complement: NRP1 is on the minus strand). VCF-style: chr10-33207673-G-A. GRCh37 (hg19) VCF-style: chr10-33496601-G-A.
Other names: c.1658C>T, p.Thr553Ile (NM_001024628.3, NM_001024629.3, NM_001244972.2 and 2 more transcripts); short protein forms T553I.
Identifiers: ClinVar variation 3350383 (VCV003350383.2).

ClinVar aggregate classification (germline): Uncertain significance (1 of 4 stars; one submission).

Conditions:
NRP1-related disorder. Also called: NRP1-related condition.

gnomAD v4.1: 3 of 1,614,096 alleles (0.00019%); highest among the groups gnomAD compares: Admixed American, 0.005%; no homozygotes.

Submission:

PreventionGenetics, part of Exact Sciences
Classification: Uncertain significance for NRP1-related condition. Last evaluated: 2025-08-13. Review status: criteria provided, single submitter. Criteria: ACMG Guidelines, 2015. Collection method: clinical testing. Allele origin: germline.
Comment: The NRP1 c.1658C>T variant is predicted to result in the amino acid substitution p.Thr553Ile. To our knowledge, this variant has not been reported in the literature. This variant is reported in 0.0087% of alleles in individuals of Latino descent in gnomAD. At this time, the clinical significance of this variant is uncertain due to the absence of conclusive functional and genetic evidence.